The following is an entry in ClinVar:

ClinVar aggregate classification (germline): Uncertain significance (1 of 4 stars; one submission).

Allele frequency attached by ClinVar (database versions not stated): ExAC 0.00001; gnomAD 0.00002; TOPMed 0.00002; gnomAD exomes 0.00003; 1000 Genomes Project 30x 0.00016; 1000 Genomes Project 0.00020.
gnomAD v4.1: 41 of 1,614,128 alleles (0.0025%); highest among the groups gnomAD compares: South Asian, 0.029%; no homozygotes.

Submission:

Labcorp Genetics (formerly Invitae), Labcorp
Classification: Uncertain significance. Last evaluated: 2022-12-06. Review status: criteria provided, single submitter. Criteria: Invitae Variant Classification Sherloc (09022015). Collection method: clinical testing. Allele origin: germline.
Comment: In summary, the available evidence is currently insufficient to determine the role of this variant in disease. Therefore, it has been classified as a Variant of Uncertain Significance. Algorithms developed to predict the effect of missense changes on protein structure and function are either unavailable or do not agree on the potential impact of this missense change (SIFT: "Deleterious"; PolyPhen-2: "Benign"; Align-GVGD: "Class C25"). This variant has not been reported in the literature in individuals affected with SLC18A2-related conditions. This variant is present in population databases (rs568523923, gnomAD 0.02%). This sequence change replaces isoleucine, which is neutral and non-polar, with threonine, which is neutral and polar, at codon 459 of the SLC18A2 protein (p.Ile459Thr).

NM_003054.6(SLC18A2):c.1376T>C (p.Ile459Thr)

Gene: SLC18A2 (solute carrier family 18 member A2; plus strand). Cytogenetic location: 10q25.3.
Variant type: single nucleotide variant.
Coding change: c.1376T>C on transcript NM_003054.6 (MANE Select); coding-DNA position 1376, T replaced by C.
Protein change: p.Ile459Thr; replaces isoleucine 459 with threonine.
Molecular consequence: missense variant.
Genome position (GRCh38, 1-based): chr10:117,270,399, T>C. VCF-style: chr10-117270399-T-C. GRCh37 (hg19) VCF-style: chr10-119029910-T-C.
Other names: short protein forms I459T.
Identifiers: ClinVar variation 1914641 (VCV001914641.5), dbSNP rs568523923, ClinGen allele CA5710654.